The following is an entry in ClinVar:

GRCh38/hg38 11q13.4(chr11:73647348-73927680)x3

Genes: COA4 (cytochrome c oxidase assembly factor 4 homolog; minus strand), MRPL48 (mitochondrial ribosomal protein L48; plus strand), PAAF1 (proteasomal ATPase associated factor 1; plus strand), PLEKHB1 (pleckstrin homology domain containing B1; plus strand), RAB6A (RAB6A, member RAS oncogene family; minus strand) and 12 more. Cytogenetic location: 11q13.4.
Variant type: copy number gain.
Change: copy number 3 (three copies instead of two) of chr11:73,647,348-73,927,680 (280.3 kb, GRCh38 coordinates, 1-based), cytogenetic band 11q13.4.
Identifiers: ClinVar variation 58182 (VCV000058182.1).

ClinVar aggregate classification (germline): Uncertain significance (1 of 4 stars; one submission).

Submission:

ISCA site 15
Classification: Uncertain significance. Last evaluated: 2011-08-12. Review status: criteria provided, single submitter. Criteria: Kaminsky et al. (Genet Med. 2011). Collection method: clinical testing. Allele origin: paternal. Affected: yes. Observed: 1 variant allele.
Comment: Copy number variation identified through the course of routine clinical cytogenomic testing in postnatal populations. Clinical assertions have been curated as described in Kaminsky et al. 2011.